The following is an entry in ClinVar:

ClinVar aggregate classification (germline): Uncertain significance. Review status: criteria provided, multiple submitters, no conflicts (2 of 4 stars). 2 submissions from 2 submitters: Uncertain significance (2). Last evaluated 2024-10-20.

Allele frequency attached by ClinVar (database versions not stated): gnomAD 0.00001; gnomAD exomes 0.00001; TOPMed 0.00001; ExAC 0.00002.
gnomAD v4.1: 7 of 1,209,615 alleles (0.00058%); highest among the groups gnomAD compares: Non-Finnish European, 0.00078%; no homozygotes.

Submissions (2):

Ambry Genetics
Classification: Uncertain significance. Last evaluated: 2024-10-20. Review status: criteria provided, single submitter. Criteria: Ambry Variant Classification Scheme 2023. Collection method: clinical testing. Allele origin: germline.

Labcorp Genetics (formerly Invitae), Labcorp
Classification: Uncertain significance. Last evaluated: 2024-04-27. Review status: criteria provided, single submitter. Criteria: Invitae Variant Classification Sherloc (09022015). Collection method: clinical testing. Allele origin: germline.
Comment: This sequence change replaces serine, which is neutral and polar, with cysteine, which is neutral and slightly polar, at codon 1432 of the NEXMIF protein (p.Ser1432Cys). This variant is present in population databases (rs764248445, gnomAD 0.003%), including at least one homozygous and/or hemizygous individual. This variant has not been reported in the literature in individuals affected with NEXMIF-related conditions. ClinVar contains an entry for this variant (Variation ID: 999756). An algorithm developed to predict the effect of missense changes on protein structure and function (PolyPhen-2) suggests that this variant is likely to be disruptive. In summary, the available evidence is currently insufficient to determine the role of this variant in disease. Therefore, it has been classified as a Variant of Uncertain Significance.

NM_001008537.3(NEXMIF):c.4294A>T (p.Ser1432Cys)

Gene: NEXMIF (neurite extension and migration factor; minus strand). Cytogenetic location: Xq13.3.
Variant type: single nucleotide variant.
Coding change: c.4294A>T on transcript NM_001008537.3 (MANE Select); coding-DNA position 4294, A replaced by T.
Protein change: p.Ser1432Cys; replaces serine 1432 with cysteine.
Molecular consequence: missense variant.
Genome position (GRCh38, 1-based): chrX:74,740,263, T>A on the plus strand (A>T on the coding strand, the complement: NEXMIF is on the minus strand). VCF-style: chrX-74740263-T-A. GRCh37 (hg19) VCF-style: chrX-73960098-T-A.
Other names: c.4294A>T (NM_001008537.2); short protein forms S1432C.
Identifiers: ClinVar variation 999756 (VCV000999756.9), dbSNP rs764248445, ClinGen allele CA10454851.
Genomic context (GRCh38, chrX:74,740,263, plus strand): 5'-ATTTGTGACGATACAACTTTTTGTGTGTCGGTCCGTTATTGCCTAAAGTGCTCATGTTAC[T>A]ATACTTTTTATCAAAGAAGGTAGAGCGAGAGTCCTCGTTATAACCAGGCATGTTTGCACG-3'
Protein context (NP_001008537.1, residues 1422-1442): SRSTFFDKKY[Ser1432Cys]NMSTLGNNGP